The following is an entry in ClinVar:

ClinVar aggregate classification (germline): Uncertain significance (1 of 4 stars; one submission).

Conditions:
POLD1-related polyposis and colorectal cancer syndrome (CRCS10). Also called: Colorectal cancer 10; COLORECTAL CANCER, SUSCEPTIBILITY TO, ON CHROMOSOME 19q; Colorectal cancer, susceptibility to, 10. Identifiers: Orphanet 220460, MedGen C2675481, MONDO:0012953, OMIM 612591.

Allele frequency attached by ClinVar (database versions not stated): gnomAD 0.00001.

Submission:

Labcorp Genetics (formerly Invitae), Labcorp
Classification: Uncertain significance for POLD1-related polyposis and colorectal cancer syndrome. Last evaluated: 2023-01-24. Review status: criteria provided, single submitter. Criteria: Invitae Variant Classification Sherloc (09022015). Collection method: clinical testing. Allele origin: germline.
Comment: In summary, the available evidence is currently insufficient to determine the role of this variant in disease. Therefore, it has been classified as a Variant of Uncertain Significance. Advanced modeling of protein sequence and biophysical properties (such as structural, functional, and spatial information, amino acid conservation, physicochemical variation, residue mobility, and thermodynamic stability) performed at Invitae indicates that this missense variant is not expected to disrupt POLD1 protein function. ClinVar contains an entry for this variant (Variation ID: 1503835). This variant has not been reported in the literature in individuals affected with POLD1-related conditions. This variant is not present in population databases (gnomAD no frequency). This sequence change replaces glutamic acid, which is acidic and polar, with lysine, which is basic and polar, at codon 228 of the POLD1 protein (p.Glu228Lys).

NM_002691.4(POLD1):c.682G>A (p.Glu228Lys)

Gene: POLD1 (DNA polymerase delta 1, catalytic subunit; plus strand). Cytogenetic location: 19q13.33.
Variant type: single nucleotide variant.
Coding change: c.682G>A on transcript NM_002691.4 (MANE Select); coding-DNA position 682, G replaced by A.
Protein change: p.Glu228Lys; replaces glutamic acid 228 with lysine.
Molecular consequence: missense variant. On other transcripts: non-coding transcript variant (1).
Genome position (GRCh38, 1-based): chr19:50,402,297, G>A. VCF-style: chr19-50402297-G-A. GRCh37 (hg19) VCF-style: chr19-50905554-G-A.
Other names: c.682G>A, p.Glu228Lys (NM_001256849.1, NM_001308632.1); short protein forms E228K.
Identifiers: ClinVar variation 1503835 (VCV001503835.8), dbSNP rs1184569102, ClinGen allele CA406974323.
Genomic context (GRCh38, chr19:50,402,297, plus strand): 5'-CCGTTCCTGCGCATCACCGTGGCGCTGCCGCGCCTCGTGGCCCCGGCCCGCCGTCTCCTG[G>A]AACAGGGCATCCGTGTGGCAGGCCTGGGCACGCCCAGCTTCGCGCCCTACGAGGCCAACG-3'
Protein context (NP_002682.2, residues 218-238): RLVAPARRLL[Glu228Lys]QGIRVAGLGT